The following is an entry in ClinVar:

ClinVar aggregate classification (germline): Pathogenic. Review status: criteria provided, multiple submitters, no conflicts (2 of 4 stars). 2 submissions from 2 submitters: Pathogenic (2). Last evaluated 2024-01-25.

Conditions:
Familial adenomatous polyposis 1 (FAP1). Also called: POLYPOSIS, ADENOMATOUS INTESTINAL; FAMILIAL ADENOMATOUS POLYPOSIS 1, ATTENUATED. Identifiers: MedGen C2713442, MONDO:0021056, OMIM 175100. Disease mechanism: loss of function.
Hereditary cancer-predisposing syndrome. Also called: Tumor predisposition; Hereditary neoplastic syndrome; Neoplastic Syndromes, Hereditary; Hereditary Cancer Syndrome. Identifiers: Orphanet 140162, MedGen C0027672, MeSH D009386, MONDO:0015356.

Submissions (2):

Labcorp Genetics (formerly Invitae), Labcorp
Classification: Pathogenic for Familial adenomatous polyposis 1. Last evaluated: 2024-01-25. Review status: criteria provided, single submitter. Criteria: Invitae Variant Classification Sherloc (09022015). Collection method: clinical testing. Allele origin: germline.
Comment: This sequence change creates a premature translational stop signal (p.Gln203Asnfs*2) in the APC gene. It is expected to result in an absent or disrupted protein product. Loss-of-function variants in APC are known to be pathogenic (PMID: 17963004, 20685668). This variant is not present in population databases (gnomAD no frequency). This premature translational stop signal has been observed in individual(s) with familial adenomatous polyposis (PMID: 18433509, 20223039). ClinVar contains an entry for this variant (Variation ID: 860742). For these reasons, this variant has been classified as Pathogenic.

Ambry Genetics
Classification: Pathogenic for Hereditary cancer-predisposing syndrome. Last evaluated: 2016-11-11. Review status: criteria provided, single submitter. Criteria: Ambry Variant Classification Scheme 2023. Collection method: clinical testing. Allele origin: germline.
Comment: The c.607delC pathogenic mutation, located in coding exon 5 of the APC gene, results from a deletion of one nucleotide at nucleotide position 607, causing a translational frameshift with a predicted alternate stop codon. This alteration was also reported in 2/1166 unrelated German index patients with a clinical diagnosis of FAP or AFAP (Friedl W et al. Hered Cancer Clin Pract 2005 Sep;3:95-114). A father and daughter with this mutation were found to have distal small bowel polyposis identified on capsule endoscopy (Schulmann K et al. Am. J. Gastroenterol. 2005 Jan;100:27-37). In addition to the clinical data presented in the literature, this alteration is expected to result in loss of function by premature protein truncation or nonsense-mediated mRNA decay. As such, this alteration is interpreted as a disease-causing mutation.

Literature cited by the submitters: PubMed 17963004 (cited by Labcorp Genetics (formerly Invitae), Labcorp); PubMed 20685668 (cited by Labcorp Genetics (formerly Invitae), Labcorp); PubMed 18433509 (cited by Labcorp Genetics (formerly Invitae), Labcorp and Ambry Genetics); PubMed 20223039 (cited by Labcorp Genetics (formerly Invitae), Labcorp and Ambry Genetics); PubMed 15654777 (cited by Ambry Genetics).

NM_000038.6(APC):c.607del (p.Gln203fs)

Gene: APC (APC regulator of Wnt signaling pathway; plus strand). Cytogenetic location: 5q22.2.
Variant type: Deletion.
Coding change: c.607del on transcript NM_000038.6 (MANE Select); coding-DNA position 607, one base deleted (C; older notation c.607delC).
Protein change: p.Gln203fs; shifts the reading frame from glutamine 203.
Molecular consequence: frameshift variant. On other transcripts: 5 prime UTR variant (1).
Genome position (GRCh38, 1-based): chr5:112,780,865, C deleted. VCF-style (leftmost placement, unchanged base first): chr5-112780864-AC-A. GRCh37 (hg19) VCF-style: chr5-112116561-AC-A.
Other names: c.607del, p.Gln203fs (NM_001127510.3, NM_001354895.2, NM_001354896.2 and 2 more transcripts); c.637del, p.Gln213fs (NM_001127511.3, NM_001354897.2, NM_001354902.2); c.532del, p.Gln178fs (NM_001354898.2, NM_001354904.2); c.430del, p.Gln144fs (NM_001354900.2, NM_001354901.2, NM_001354905.2); c.-429del (NM_001354906.2); c.607delC (NM_000038.5); short protein forms Q144fs, Q203fs, Q213fs, Q178fs.
Identifiers: ClinVar variation 860742 (VCV000860742.13), dbSNP rs1758253391, ClinGen allele CA658760489.